The following is an entry in ClinVar:

ClinVar aggregate classification (germline): Uncertain significance. Review status: criteria provided, multiple submitters, no conflicts (2 of 4 stars). 3 submissions from 3 submitters: Uncertain significance (3). Last evaluated 2024-04-20.

Conditions:
Sclerosteosis 2 (SOST2). Identifiers: Orphanet 3152, MedGen C3280402, MONDO:0013679, OMIM 614305.
Congenital myasthenic syndrome 17. Identifiers: Orphanet 590, MedGen C4225377, MONDO:0014578, OMIM 616304.
Cenani-Lenz syndactyly syndrome. Also called: SYNDACTYLY, TYPE VII; CENANI SYNDACTYLISM. Identifiers: Orphanet 3258, MedGen C1859309, MONDO:0008931, OMIM 212780.
Inborn genetic diseases. Identifiers: MedGen C0950123, MeSH D030342.

Allele frequency attached by ClinVar (database versions not stated): gnomAD exomes below 0.00001 and 0.00001.
gnomAD v4.1: 3 of 1,614,024 alleles (0.00019%); highest among the groups gnomAD compares: Admixed American, 0.005%; no homozygotes.

Submissions (3):

Ambry Genetics
Classification: Uncertain significance for Inborn genetic diseases. Last evaluated: 2024-04-20. Review status: criteria provided, single submitter. Criteria: Ambry Variant Classification Scheme 2023. Collection method: clinical testing. Allele origin: germline.

Labcorp Genetics (formerly Invitae), Labcorp
Classification: Uncertain significance for Cenani-Lenz syndactyly syndrome; Sclerosteosis 2; Congenital myasthenic syndrome 17. Last evaluated: 2022-09-06. Review status: criteria provided, single submitter. Criteria: Invitae Variant Classification Sherloc (09022015). Collection method: clinical testing. Allele origin: germline.
Comment: Algorithms developed to predict the effect of missense changes on protein structure and function output the following: SIFT: "Deleterious"; PolyPhen-2: "Benign"; Align-GVGD: "Class C0". The threonine amino acid residue is found in multiple mammalian species, which suggests that this missense change does not adversely affect protein function. In summary, the available evidence is currently insufficient to determine the role of this variant in disease. Therefore, it has been classified as a Variant of Uncertain Significance. ClinVar contains an entry for this variant (Variation ID: 1518776). This variant has not been reported in the literature in individuals affected with LRP4-related conditions. This variant is present in population databases (no rsID available, gnomAD 0.003%). This sequence change replaces methionine, which is neutral and non-polar, with threonine, which is neutral and polar, at codon 371 of the LRP4 protein (p.Met371Thr).

Fulgent Genetics
Classification: Uncertain significance for Cenani-Lenz syndactyly syndrome; Sclerosteosis 2; Congenital myasthenic syndrome 17. Last evaluated: 2021-10-23. Review status: criteria provided, single submitter. Criteria: ACMG Guidelines, 2015. Collection method: clinical testing. Allele origin: unknown.

NM_002334.4(LRP4):c.1112T>C (p.Met371Thr)

Gene: LRP4 (LDL receptor related protein 4; minus strand). Cytogenetic location: 11p11.2.
Variant type: single nucleotide variant.
Coding change: c.1112T>C on transcript NM_002334.4 (MANE Select); coding-DNA position 1112, T replaced by C.
Protein change: p.Met371Thr; replaces methionine 371 with threonine.
Molecular consequence: missense variant.
Genome position (GRCh38, 1-based): chr11:46,895,955, A>G on the plus strand (T>C on the coding strand, the complement: LRP4 is on the minus strand). VCF-style: chr11-46895955-A-G. GRCh37 (hg19) VCF-style: chr11-46917506-A-G.
Other names: c.1112T>C (NM_002334.3); short protein forms M371T.
Identifiers: ClinVar variation 1518776 (VCV001518776.8), dbSNP rs1164240481, ClinGen allele CA380287294.